The following is an entry in ClinVar:

ClinVar aggregate classification (germline): Uncertain significance. Review status: criteria provided, multiple submitters, no conflicts (2 of 4 stars). 2 submissions from 2 submitters: Uncertain significance (2). Last evaluated 2025-04-07.

Conditions:
Inborn genetic diseases. Identifiers: MedGen C0950123, MeSH D030342.

Submissions (2):

Labcorp Genetics (formerly Invitae), Labcorp
Classification: Uncertain significance. Last evaluated: 2025-04-07. Review status: criteria provided, single submitter. Criteria: Invitae Variant Classification Sherloc (09022015). Collection method: clinical testing. Allele origin: germline.
Comment: This sequence change replaces leucine, which is neutral and non-polar, with phenylalanine, which is neutral and non-polar, at codon 1946 of the FAT4 protein (p.Leu1946Phe). This variant is not present in population databases (gnomAD no frequency). This variant has not been reported in the literature in individuals affected with FAT4-related conditions. ClinVar contains an entry for this variant (Variation ID: 2797277). Invitae Evidence Modeling of protein sequence and biophysical properties (such as structural, functional, and spatial information, amino acid conservation, physicochemical variation, residue mobility, and thermodynamic stability) indicates that this missense variant is not expected to disrupt FAT4 protein function with a negative predictive value of 80%. In summary, the available evidence is currently insufficient to determine the role of this variant in disease. Therefore, it has been classified as a Variant of Uncertain Significance.

Ambry Genetics
Classification: Uncertain significance for Inborn genetic diseases. Last evaluated: 2025-01-24. Review status: criteria provided, single submitter. Criteria: Ambry Variant Classification Scheme 2023. Collection method: clinical testing. Allele origin: germline.

NM_001291303.3(FAT4):c.5838G>T (p.Leu1946Phe)

Gene: FAT4 (FAT atypical cadherin 4; plus strand). Cytogenetic location: 4q28.1.
Variant type: single nucleotide variant.
Coding change: c.5838G>T on transcript NM_001291303.3 (MANE Select); coding-DNA position 5838, G replaced by T.
Protein change: p.Leu1946Phe; replaces leucine 1946 with phenylalanine.
Molecular consequence: missense variant.
Genome position (GRCh38, 1-based): chr4:125,408,712, G>T. VCF-style: chr4-125408712-G-T. GRCh37 (hg19) VCF-style: chr4-126329867-G-T.
Other names: c.5838G>T, p.Leu1946Phe (NM_001291285.3, NM_024582.6); c.5838G>T (NM_024582.4); short protein forms L1946F.
Identifiers: ClinVar variation 2797277 (VCV002797277.4), dbSNP rs2530756658, ClinGen allele CA358123689.